The following is an entry in ClinVar:

NM_000535.7(PMS2):c.1386C>G (p.Ile462Met)

Gene: PMS2 (PMS1 homolog 2, mismatch repair system component; minus strand). Cytogenetic location: 7p22.1.
Variant type: single nucleotide variant.
Coding change: c.1386C>G on transcript NM_000535.7 (MANE Select); coding-DNA position 1386, C replaced by G.
Protein change: p.Ile462Met; replaces isoleucine 462 with methionine.
Molecular consequence: missense variant. On other transcripts: non-coding transcript variant (1).
Genome position (GRCh38, 1-based): chr7:5,987,379, G>C on the plus strand (C>G on the coding strand, the complement: PMS2 is on the minus strand). VCF-style: chr7-5987379-G-C. GRCh37 (hg19) VCF-style: chr7-6027010-G-C.
Other names: c.981C>G, p.Ile327Met (NM_001322003.2, NM_001322004.2, NM_001322005.2 and 1 more transcripts); c.1230C>G, p.Ile410Met (NM_001322006.2); c.1068C>G, p.Ile356Met (NM_001322007.2, NM_001322008.2); c.825C>G, p.Ile275Met (NM_001322010.2); c.453C>G, p.Ile151Met (NM_001322011.2, NM_001322012.2); c.813C>G, p.Ile271Met (NM_001322013.2); c.1386C>G, p.Ile462Met (NM_001322014.2); c.1077C>G, p.Ile359Met (NM_001322015.2); short protein forms I271M, I462M, I151M, I275M, I327M, I356M, I359M, I410M.
Identifiers: ClinVar variation 645980 (VCV000645980.9), dbSNP rs750448069, ClinGen allele CA366742169.

ClinVar aggregate classification (germline): Uncertain significance. Review status: criteria provided, multiple submitters, no conflicts (2 of 4 stars). 3 submissions from 3 submitters: Uncertain significance (3). Last evaluated 2025-07-15.

Conditions:
Hereditary cancer-predisposing syndrome. Also called: Hereditary Cancer Syndrome; Tumor predisposition; Hereditary neoplastic syndrome; Neoplastic Syndromes, Hereditary. Identifiers: Orphanet 140162, MedGen C0027672, MeSH D009386, MONDO:0015356.
Hereditary nonpolyposis colorectal neoplasms. Identifiers: MedGen C0009405, MeSH D003123.

Allele frequency attached by ClinVar (database versions not stated): TOPMed below 0.00001.
gnomAD v4.1: 1 of 1,614,068 alleles (0.000062%); highest among the groups gnomAD compares: Non-Finnish European, 0.000085%; no homozygotes.

Submissions (3):

Color Diagnostics, LLC DBA Color Health
Classification: Uncertain significance for Hereditary cancer-predisposing syndrome. Last evaluated: 2025-07-15. Review status: criteria provided, single submitter. Criteria: ACMG Guidelines, 2015. Collection method: clinical testing. Allele origin: germline.
Comment: This missense variant replaces isoleucine with methionine at codon 462 of the PMS2 protein. Computational prediction suggests that this variant may not impact protein structure and function. To our knowledge, functional studies have not been reported for this variant. This variant has not been reported in individuals affected with PMS2-related disorders in the literature. This variant has not been identified in the general population by the Genome Aggregation Database (gnomAD). The available evidence is insufficient to determine the role of this variant in disease conclusively. Therefore, this variant is classified as a Variant of Uncertain Significance.

Labcorp Genetics (formerly Invitae), Labcorp
Classification: Uncertain significance for Hereditary nonpolyposis colorectal neoplasms. Last evaluated: 2024-08-30. Review status: criteria provided, single submitter. Criteria: Invitae Variant Classification Sherloc (09022015). Collection method: clinical testing. Allele origin: germline.
Comment: This sequence change replaces isoleucine, which is neutral and non-polar, with methionine, which is neutral and non-polar, at codon 462 of the PMS2 protein (p.Ile462Met). This variant is not present in population databases (gnomAD no frequency). This variant has not been reported in the literature in individuals affected with PMS2-related conditions. ClinVar contains an entry for this variant (Variation ID: 645980). Invitae Evidence Modeling of protein sequence and biophysical properties (such as structural, functional, and spatial information, amino acid conservation, physicochemical variation, residue mobility, and thermodynamic stability) indicates that this missense variant is not expected to disrupt PMS2 protein function with a negative predictive value of 80%. In summary, the available evidence is currently insufficient to determine the role of this variant in disease. Therefore, it has been classified as a Variant of Uncertain Significance.

Ambry Genetics
Classification: Uncertain significance for Hereditary cancer-predisposing syndrome. Last evaluated: 2022-10-15. Review status: criteria provided, single submitter. Criteria: Ambry Variant Classification Scheme 2023. Collection method: clinical testing. Allele origin: germline.
Comment: The p.I462M variant (also known as c.1386C>G), located in coding exon 11 of the PMS2 gene, results from a C to G substitution at nucleotide position 1386. The isoleucine at codon 462 is replaced by methionine, an amino acid with highly similar properties. This amino acid position is conserved. In addition, this alteration is predicted to be tolerated by in silico analysis. Since supporting evidence is limited at this time, the clinical significance of this alteration remains unclear.